The following is an entry in ClinVar:

ClinVar aggregate classification (germline): Pathogenic. Review status: criteria provided, multiple submitters, no conflicts (2 of 4 stars). 2 submissions from 2 submitters: Pathogenic (2). Last evaluated 2025-05-30.

Conditions:
Citrin deficiency. Identifiers: Orphanet 247582, MedGen C1997910, MONDO:0016602.

Submissions (2):

GeneDx
Classification: Pathogenic. Last evaluated: 2025-05-30. Review status: criteria provided, single submitter. Criteria: GeneDx Variant Classification Process June 2021. Collection method: clinical testing. Allele origin: germline.
Comment: Not observed at significant frequency in large population cohorts (gnomAD); Nonsense variant predicted to result in protein truncation or nonsense mediated decay in a gene for which loss of function is a known mechanism of disease; This variant is associated with the following publications: (PMID: 24069319, 33763395, 27405544, 31845334)

Labcorp Genetics (formerly Invitae), Labcorp
Classification: Pathogenic for Citrin deficiency. Last evaluated: 2024-01-08. Review status: criteria provided, single submitter. Criteria: Invitae Variant Classification Sherloc (09022015). Collection method: clinical testing. Allele origin: germline.
Comment: This sequence change creates a premature translational stop signal (p.Gln159*) in the SLC25A13 gene. It is expected to result in an absent or disrupted protein product. Loss-of-function variants in SLC25A13 are known to be pathogenic (PMID: 10369257, 14680984, 27405544). This variant is not present in population databases (gnomAD no frequency). This premature translational stop signal has been observed in individual(s) with citrin deficiency (PMID: 24069319). ClinVar contains an entry for this variant (Variation ID: 1070090). For these reasons, this variant has been classified as Pathogenic.

Literature cited by the submitters: PubMed 10369257 (cited by Labcorp Genetics (formerly Invitae), Labcorp); PubMed 14680984 (cited by Labcorp Genetics (formerly Invitae), Labcorp); PubMed 27405544 (cited by Labcorp Genetics (formerly Invitae), Labcorp); PubMed 24069319 (cited by Labcorp Genetics (formerly Invitae), Labcorp).

NM_014251.3(SLC25A13):c.475C>T (p.Gln159Ter)

Gene: SLC25A13 (solute carrier family 25 member 13; minus strand). Cytogenetic location: 7q21.3.
Variant type: single nucleotide variant.
Coding change: c.475C>T on transcript NM_014251.3 (MANE Select); coding-DNA position 475, C replaced by T.
Protein change: p.Gln159Ter; replaces glutamine 159 with a stop codon.
Molecular consequence: nonsense. On other transcripts: non-coding transcript variant (1).
Genome position (GRCh38, 1-based): chr7:96,193,177, G>A on the plus strand (C>T on the coding strand, the complement: SLC25A13 is on the minus strand). VCF-style: chr7-96193177-G-A. GRCh37 (hg19) VCF-style: chr7-95822489-G-A.
Other names: c.475C>T, p.Gln159Ter (NM_001160210.2); c.475C>T (NM_014251.2); short protein forms Q159*.
Identifiers: ClinVar variation 1070090 (VCV001070090.11), dbSNP rs2116663520, ClinGen allele CA368263558.